The following is an entry in ClinVar:

ClinVar aggregate classification (germline): Uncertain significance (1 of 4 stars; one submission).

Conditions:
Hereditary cancer-predisposing syndrome. Also called: Neoplastic Syndromes, Hereditary; Tumor predisposition; Hereditary neoplastic syndrome; Hereditary Cancer Syndrome. Identifiers: Orphanet 140162, MedGen C0027672, MeSH D009386, MONDO:0015356.

Submission:

Ambry Genetics
Classification: Uncertain significance for Hereditary cancer-predisposing syndrome. Last evaluated: 2026-09-06. Review status: criteria provided, single submitter. Criteria: Ambry Variant Classification Scheme 2023. Collection method: clinical testing. Allele origin: germline.
Comment: The p.F335I variant (also known as c.1003T>A), located in coding exon 8 of the MRE11A gene, results from a T to A substitution at nucleotide position 1003. The phenylalanine at codon 335 is replaced by isoleucine, an amino acid with highly similar properties. This amino acid position is conserved. In addition, the in silico prediction for this alteration is inconclusive. Based on the available evidence, the clinical significance of this variant remains unclear.

NM_005591.4(MRE11):c.1003T>A (p.Phe335Ile)

Gene: MRE11 (MRE11 double strand break repair nuclease; minus strand). Cytogenetic location: 11q21.
Variant type: single nucleotide variant.
Coding change: c.1003T>A on transcript NM_005591.4 (MANE Select); coding-DNA position 1003, T replaced by A.
Protein change: p.Phe335Ile; replaces phenylalanine 335 with isoleucine.
Molecular consequence: missense variant.
Genome position (GRCh38, 1-based): chr11:94,470,485, A>T on the plus strand (T>A on the coding strand, the complement: MRE11 is on the minus strand). VCF-style: chr11-94470485-A-T. GRCh37 (hg19) VCF-style: chr11-94203651-A-T.
Other names: c.1003T>A, p.Phe335Ile (NM_001330347.2, NM_001440460.1, NM_001440461.1 and 18 more transcripts); c.928T>A, p.Phe310Ile (NM_001440472.1, NM_001440479.1, NM_001440471.1); c.658T>A, p.Phe220Ile (NM_001440482.1, NM_001440483.1, NM_001440484.1); c.535T>A, p.Phe179Ile (NM_001440485.1, NM_001440486.1, NM_001440487.1); short protein forms F220I, F310I, F335I, F179I.
Identifiers: ClinVar variation 5024676 (VCV005024676.1).
Genomic context (GRCh38, chr11:94,470,485, plus strand): 5'-TTCTTCAACTAAAGTAGATCTCATTGACTTTATCAAAAAGAATTACCTTCTCCAAACAGA[A>T]GCTTTGTATGGCTTGGGTTACTTTAGGATTATCTGGGTTAAAAATGTCTGGATGATTAGC-3'
Protein context (NP_005582.1, residues 325-345): NPKVTQAIQS[Phe335Ile]CLEKIEEMLE